The following is an entry in ClinVar:

NM_001080449.3(DNA2):c.1399A>T (p.Met467Leu)

Gene: DNA2 (DNA replication helicase/nuclease 2; minus strand). Cytogenetic location: 10q21.3.
Variant type: single nucleotide variant.
Coding change: c.1399A>T on transcript NM_001080449.3 (MANE Select); coding-DNA position 1399, A replaced by T.
Protein change: p.Met467Leu; replaces methionine 467 with leucine.
Molecular consequence: missense variant. On other transcripts: non-coding transcript variant (1).
Genome position (GRCh38, 1-based): chr10:68,442,933, T>A on the plus strand (A>T on the coding strand, the complement: DNA2 is on the minus strand). VCF-style: chr10-68442933-T-A. GRCh37 (hg19) VCF-style: chr10-70202690-T-A.
Other names: short protein forms M467L.
Identifiers: ClinVar variation 3368996 (VCV003368996.1).

ClinVar aggregate classification (germline): Uncertain significance (1 of 4 stars; one submission).

Submission:

GeneDx
Classification: Uncertain significance. Last evaluated: 2024-02-12. Review status: criteria provided, single submitter. Criteria: GeneDx Variant Classification Process June 2021. Collection method: clinical testing. Allele origin: germline. Affected: yes.
Comment: Not observed at significant frequency in large population cohorts (gnomAD); In silico analysis supports that this missense variant does not alter protein structure/function; Has not been previously published as pathogenic or benign to our knowledge